The following is an entry in ClinVar:

NM_000292.3(PHKA2):c.2397C>T (p.His799=)

Gene: PHKA2 (phosphorylase kinase regulatory subunit alpha 2; minus strand). Cytogenetic location: Xp22.13.
Variant type: single nucleotide variant.
Coding change: c.2397C>T on transcript NM_000292.3 (MANE Select); coding-DNA position 2397, C replaced by T.
Protein change: p.His799=; no amino-acid change (histidine 799 retained).
Molecular consequence: synonymous variant.
Genome position (GRCh38, 1-based): chrX:18,908,020, G>A on the plus strand (C>T on the coding strand, the complement: PHKA2 is on the minus strand). VCF-style: chrX-18908020-G-A. GRCh37 (hg19) VCF-style: chrX-18926138-G-A.
Identifiers: ClinVar variation 3049078 (VCV003049078.3), dbSNP rs181179616, ClinGen allele CA10361647.

ClinVar aggregate classification (germline): Benign. Review status: criteria provided, single submitter (1 of 4 stars). 2 submissions from 2 submitters: Benign (1). 1 of the submissions does not count toward it. Last evaluated 2025-10-01.

Conditions:
PHKA2-related disorder. Also called: PHKA2-related condition.
Glycogen storage disease IXa1. Also called: Glycogen storage disease 8; LIVER GLYCOGENOSIS, X-LINKED, TYPE I; GLYCOGEN STORAGE DISEASE VIII; GSD VIII. Identifiers: Orphanet 264580, MedGen C3694531, MONDO:0010598, OMIM 306000.

Allele frequency attached by ClinVar (database versions not stated): gnomAD exomes 0.00002; ExAC 0.00006; gnomAD 0.00010; TOPMed 0.00015; 1000 Genomes Project 30x 0.00042; 1000 Genomes Project 0.00053.
gnomAD v4.1: 33 of 1,209,290 alleles (0.0027%); highest among the groups gnomAD compares: African/African-American, 0.026%; no homozygotes.

Submissions (2):

Labcorp Genetics (formerly Invitae), Labcorp
Classification: Benign for Glycogen storage disease IXa1. Last evaluated: 2025-10-01. Review status: criteria provided, single submitter. Criteria: Invitae Variant Classification Sherloc (09022015). Collection method: clinical testing. Allele origin: germline.

PreventionGenetics, part of Exact Sciences
Classification: Likely benign for PHKA2-related condition. Last evaluated: 2019-12-20. Review status: no assertion criteria provided. Collection method: clinical testing. Allele origin: germline. Not counted in ClinVar's aggregate classification.
Comment: This variant is classified as likely benign based on ACMG/AMP sequence variant interpretation guidelines (Richards et al. 2015 PMID: 25741868, with internal and published modifications).